The following is an entry in ClinVar:

NM_006914.4(RORB):c.1321C>G (p.Leu441Val)

Genes: RORB (RAR related orphan receptor B; plus strand), LOC124310566 (Sharpr-MPRA regulatory region 9792; plus strand). Cytogenetic location: 9q21.13.
Variant type: single nucleotide variant.
Coding change: c.1321C>G on transcript NM_006914.4 (MANE Select); coding-DNA position 1321, C replaced by G.
Protein change: p.Leu441Val; replaces leucine 441 with valine.
Molecular consequence: missense variant.
Genome position (GRCh38, 1-based): chr9:74,685,559, C>G. VCF-style: chr9-74685559-C-G. GRCh37 (hg19) VCF-style: chr9-77300475-C-G.
Other names: c.1354C>G, p.Leu452Val (NM_001365023.1); short protein forms L441V, L452V.
Identifiers: ClinVar variation 3774684 (VCV003774684.1).
Genomic context (GRCh38, chr9:74,685,559, plus strand): 5'-AACTTGCACGGGGAGAAGCTGCAGGTATTTAAGCAATCTCATCCAGAGATAGTGAATACA[C>G]TGTTTCCTCCGTTATACAAGGAGCTCTTTAATCCTGACTGTGCCACCGGCTGCAAATGAA-3'
Protein context (NP_008845.2, residues 431-451): KQSHPEIVNT[Leu441Val]FPPLYKELFN

ClinVar aggregate classification (germline): Uncertain significance (1 of 4 stars; one submission).

Submission:

GeneDx
Classification: Uncertain significance. Last evaluated: 2024-09-25. Review status: criteria provided, single submitter. Criteria: GeneDx Variant Classification Process June 2021. Collection method: clinical testing. Allele origin: germline. Affected: yes.
Comment: Not observed at significant frequency in large population cohorts (gnomAD); In silico analysis indicates that this missense variant does not alter protein structure/function; Has not been previously published as pathogenic or benign to our knowledge